The following is an entry in ClinVar:

NM_024596.5(MCPH1):c.2226C>T (p.Ser742=)

Genes: MCPH1-AS1 (MCPH1 antisense RNA 1; minus strand), MCPH1 (microcephalin 1; plus strand). Cytogenetic location: 8p23.1.
Variant type: single nucleotide variant.
Coding change: c.2226C>T on transcript NM_024596.5 (MANE Select); coding-DNA position 2226, C replaced by T.
Protein change: p.Ser742=; no amino-acid change (serine 742 retained).
Molecular consequence: synonymous variant. On other transcripts: non-coding transcript variant (1).
Genome position (GRCh38, 1-based): chr8:6,621,465, C>T. VCF-style: chr8-6621465-C-T. GRCh37 (hg19) VCF-style: chr8-6478986-C-T.
Other names: c.2226C>T, p.Ser742= (NM_001322042.2, NM_001363979.1); c.1947C>T, p.Ser649= (NM_001363980.2).
Identifiers: ClinVar variation 158844 (VCV000158844.29), dbSNP rs2912010, ClinGen allele CA172515.
Genomic context (GRCh38, chr8:6,621,465, plus strand): 5'-AGACTGGAGTGGTCCCACCTCTGTAATTCTATCTCTGTCTGCCCCACAGCTGTGCCGAAG[C>T]GAGTGCCACTTGTCTGCAGGGCCGTACCGCGGAACCCTCTTTGCCGACCAGCCAGCGATG-3'
Protein context (NP_078872.3, residues 732-752): HHFPAAPLCR[Ser742=]ECHLSAGPYR

ClinVar aggregate classification (germline): Benign. Review status: criteria provided, multiple submitters, no conflicts (2 of 4 stars). 13 submissions from 13 submitters: Benign (11). 2 of the submissions do not count toward it. Last evaluated 2026-04-28.

Conditions:
Microcephaly 1, primary, autosomal recessive (MCPH1). Also called: PREMATURE CHROMOSOME CONDENSATION SYNDROME; PCC SYNDROME; PREMATURE CHROMOSOME CONDENSATION WITH MICROCEPHALY AND MENTAL RETARDATION. Identifiers: Orphanet 2512, MedGen C1855081, MONDO:0009617, OMIM 251200.

Allele frequency attached by ClinVar (database versions not stated): ESP Exome Variant Server 0.37459; gnomAD 0.39666; TOPMed 0.39722; gnomAD exomes 0.42757; ExAC 0.42924; 1000 Genomes Project 30x 0.44441; 1000 Genomes Project 0.45288.
gnomAD v4.1: 662,110 of 1,609,454 alleles (41%); highest among the groups gnomAD compares: East Asian, 68%; 139,190 homozygotes.

Submissions (13):

Women's Health and Genetics/Laboratory Corporation of America, LabCorp
Classification: Benign. Last evaluated: 2026-04-28. Review status: criteria provided, single submitter. Criteria: LabCorp Variant Classification Summary - May 2015. Collection method: clinical testing. Allele origin: germline.
Comment: Variant summary: MCPH1 c.2226C>T results in a synonymous change. Several computational tools predict a significant impact on normal splicing: Three predict the variant creates a cryptic 5' donor site, whereas two predict the variant has no significant impact on splicing. However, these predictions have yet to be confirmed by functional studies. The variant allele was found at a frequency of 0.43 in 248850 control chromosomes in the gnomAD database, including 23588 homozygotes. The observed variant frequency exceeds the estimated maximal expected allele frequency for disease-causing variants in MCPH1. To our knowledge, no occurrence of c.2226C>T in individuals affected with MCPH1-related conditions and no experimental evidence demonstrating its impact on protein function have been reported. ClinVar contains an entry for this variant (Variation ID: 158844). Based on the evidence outlined above, the variant was classified as benign.

Labcorp Genetics (formerly Invitae), Labcorp
Classification: Benign. Last evaluated: 2026-02-04. Review status: criteria provided, single submitter. Criteria: Invitae Variant Classification Sherloc (09022015). Collection method: clinical testing. Allele origin: germline.

Blueprint Genetics
Classification: Benign. Last evaluated: 2024-11-27. Review status: criteria provided, single submitter. Criteria: ACMG Guidelines, 2015. Collection method: clinical testing. Allele origin: germline.

Genome-Nilou Lab
Classification: Benign for Microcephaly 1, primary, autosomal recessive. Last evaluated: 2021-09-05. Review status: criteria provided, single submitter. Criteria: ACMG Guidelines, 2015. Collection method: clinical testing. Allele origin: germline. Affected: no.

Illumina Laboratory Services, Illumina
Classification: Benign for Microcephaly 1, primary, autosomal recessive. Last evaluated: 2018-01-13. Review status: criteria provided, single submitter. Criteria: ICSL Variant Classification Criteria 13 December 2019. Collection method: clinical testing. Allele origin: germline.
Comment: This variant was observed in the ICSL laboratory as part of a predisposition screen in an ostensibly healthy population. It had not been previously curated by ICSL or reported in the Human Gene Mutation Database (HGMD: prior to June 1st, 2018), and was therefore a candidate for classification through an automated scoring system. Utilizing variant allele frequency, disease prevalence and penetrance estimates, and inheritance mode, an automated score was calculated to assess if this variant is too frequent to cause the disease. Based on the score and internal cut-off values, a variant classified as benign is not then subjected to further curation. The score for this variant resulted in a classification of benign for this disease.

Athena Diagnostics
Classification: Benign. Last evaluated: 2017-08-02. Review status: criteria provided, single submitter. Criteria: Athena Diagnostics Criteria. Collection method: clinical testing. Allele origin: germline.

Clinical Genetics DNA and cytogenetics Diagnostics Lab, Erasmus MC, Erasmus Medical Center
Classification: Benign for Microcephaly 1, primary, autosomal recessive. Last evaluated: 2015-09-21. Review status: criteria provided, single submitter. Criteria: ACGS Guidelines, 2013. Collection method: clinical testing. Allele origin: germline. Affected: yes. Study: VKGL Data-share Consensus.

GeneDx
Classification: Benign. Last evaluated: 2015-03-03. Review status: criteria provided, single submitter. Criteria: GeneDx Variant Classification Process June 2021. Collection method: clinical testing. Allele origin: germline. Affected: yes.

Eurofins Ntd Llc (ga)
Classification: Benign. Last evaluated: 2014-04-10. Review status: criteria provided, single submitter. Criteria: EGL Classification Definitions 2015. Collection method: clinical testing. Allele origin: germline. Observed: 3 variant alleles, 3 heterozygotes.

Genetic Services Laboratory, University of Chicago
Classification: Benign. Last evaluated: 2013-02-08. Review status: criteria provided, single submitter. Criteria: ACMG Guidelines, 2007. Collection method: clinical testing. Allele origin: germline. Inheritance: Autosomal recessive inheritance.

Breakthrough Genomics
Classification: Benign. Review status: criteria provided, single submitter. Criteria: ACMG Guidelines, 2015. Collection method: not provided. Allele origin: germline. Inheritance: Autosomal recessive inheritance. Affected: yes.

Diagnostic Laboratory, Department of Genetics, University Medical Center Groningen
Classification: Benign for Microcephaly 1, primary, autosomal recessive. Review status: no assertion criteria provided. Collection method: clinical testing. Allele origin: germline. Affected: yes. Study: VKGL Data-share Consensus. Not counted in ClinVar's aggregate classification.

Joint Genome Diagnostic Labs from Nijmegen and Maastricht, Radboudumc and MUMC+
Classification: Benign. Review status: no assertion criteria provided. Collection method: clinical testing. Allele origin: germline. Affected: yes. Study: VKGL Data-share Consensus. Not counted in ClinVar's aggregate classification.